The following is an entry in ClinVar:

NM_144997.7(FLCN):c.230A>C (p.Lys77Thr)

Gene: FLCN (folliculin; minus strand). Cytogenetic location: 17p11.2.
Variant type: single nucleotide variant.
Coding change: c.230A>C on transcript NM_144997.7 (MANE Select); coding-DNA position 230, A replaced by C.
Protein change: p.Lys77Thr; replaces lysine 77 with threonine.
Molecular consequence: missense variant.
Genome position (GRCh38, 1-based): chr17:17,227,908, T>G on the plus strand (A>C on the coding strand, the complement: FLCN is on the minus strand). VCF-style: chr17-17227908-T-G. GRCh37 (hg19) VCF-style: chr17-17131222-T-G.
Other names: c.230A>C (LRG_325t1); c.230A>C, p.Lys77Thr (NM_001353229.2, NM_001353230.2, NM_001353231.2 and 1 more transcripts); short protein forms K77T.
Identifiers: ClinVar variation 662886 (VCV000662886.10), dbSNP rs746556970, ClinGen allele CA8416490.

ClinVar aggregate classification (germline): Uncertain significance. Review status: criteria provided, multiple submitters, no conflicts (2 of 4 stars). 3 submissions from 3 submitters: Uncertain significance (3). Last evaluated 2025-10-19.

Conditions:
Birt-Hogg-Dube syndrome. Also called: Birt Hogg Dubé syndrome. Identifiers: Orphanet 122, MedGen C0346010, MONDO:0800444.
Familial spontaneous pneumothorax (PSP). Identifiers: Orphanet 2903, MedGen C1868193, MONDO:0008259, OMIM 173600.
Nonpapillary renal cell carcinoma. Identifiers: Orphanet 422526, MedGen CN074294, MONDO:0007763, OMIM 144700.
Colorectal cancer. Also called: Malignant Colorectal Neoplasm; Colorectal cancer, somatic. Identifiers: MedGen C0346629, MONDO:0005575, OMIM 114500.
17p11.2 microduplication syndrome (PTLS). Also called: CHROMOSOME 17p11.2 DUPLICATION SYNDROME; Potocki-Lupski syndrome; Duplication 17p11.2 syndrome; Potocki-Lupski syndrome (dup(17)(p11.2p11.2)). Identifiers: Orphanet 1713, MedGen C2931246, MONDO:0012574, OMIM 610883.
Hereditary cancer-predisposing syndrome. Also called: Neoplastic Syndromes, Hereditary; Hereditary neoplastic syndrome; Tumor predisposition; Hereditary Cancer Syndrome. Identifiers: Orphanet 140162, MedGen C0027672, MeSH D009386, MONDO:0015356.

Allele frequency attached by ClinVar (database versions not stated): gnomAD exomes below 0.00001; ExAC 0.00001; gnomAD 0.00001.
gnomAD v4.1: 3 of 1,614,014 alleles (0.00019%); highest among the groups gnomAD compares: Non-Finnish European, 0.00025%; no homozygotes.

Submissions (3):

Labcorp Genetics (formerly Invitae), Labcorp
Classification: Uncertain significance for Birt-Hogg-Dube syndrome. Last evaluated: 2025-10-19. Review status: criteria provided, single submitter. Criteria: Invitae Variant Classification Sherloc (09022015). Collection method: clinical testing. Allele origin: germline.
Comment: This sequence change replaces lysine, which is basic and polar, with threonine, which is neutral and polar, at codon 77 of the FLCN protein (p.Lys77Thr). This variant is present in population databases (rs746556970, gnomAD 0.002%). This variant has not been reported in the literature in individuals affected with FLCN-related conditions. ClinVar contains an entry for this variant (Variation ID: 662886). Invitae Evidence Modeling of protein sequence and biophysical properties (such as structural, functional, and spatial information, amino acid conservation, physicochemical variation, residue mobility, and thermodynamic stability) indicates that this missense variant is not expected to disrupt FLCN protein function with a negative predictive value of 80%. In summary, the available evidence is currently insufficient to determine the role of this variant in disease. Therefore, it has been classified as a Variant of Uncertain Significance.

Ambry Genetics
Classification: Uncertain significance for Hereditary cancer-predisposing syndrome. Last evaluated: 2024-01-29. Review status: criteria provided, single submitter. Criteria: Ambry Variant Classification Scheme 2023. Collection method: clinical testing. Allele origin: germline.
Comment: The p.K77T variant (also known as c.230A>C), located in coding exon 1 of the FLCN gene, results from an A to C substitution at nucleotide position 230. The lysine at codon 77 is replaced by threonine, an amino acid with similar properties. This amino acid position is well conserved in available vertebrate species. In addition, the in silico prediction for this alteration is inconclusive. Based on the available evidence, the clinical significance of this alteration remains unclear.

Fulgent Genetics
Classification: Uncertain significance for Colorectal cancer; Birt-Hogg-Dube syndrome 1; Nonpapillary renal cell carcinoma; Familial spontaneous pneumothorax; 17p11.2 microduplication syndrome. Last evaluated: 2021-11-24. Review status: criteria provided, single submitter. Criteria: ACMG Guidelines, 2015. Collection method: clinical testing. Allele origin: unknown.